The following is an entry in ClinVar:

NM_005084.4(PLA2G7):c.392C>T (p.Pro131Leu)

Gene: PLA2G7 (phospholipase A2 group VII; minus strand). Cytogenetic location: 6p12.3.
Variant type: single nucleotide variant.
Coding change: c.392C>T on transcript NM_005084.4 (MANE Select); coding-DNA position 392, C replaced by T.
Protein change: p.Pro131Leu; replaces proline 131 with leucine.
Molecular consequence: missense variant.
Genome position (GRCh38, 1-based): chr6:46,714,538, G>A on the plus strand (C>T on the coding strand, the complement: PLA2G7 is on the minus strand). VCF-style: chr6-46714538-G-A. GRCh37 (hg19) VCF-style: chr6-46682275-G-A.
Other names: c.392C>T, p.Pro131Leu (NM_001168357.2); short protein forms P131L.
Identifiers: ClinVar variation 4536911 (VCV004536911.1).

ClinVar aggregate classification (germline): Uncertain significance (1 of 4 stars; one submission).

gnomAD v4.1: 5 of 1,607,640 alleles (0.00031%); highest among the groups gnomAD compares: Non-Finnish European, 0.00043%; no homozygotes.

Submission:

Women's Health and Genetics/Laboratory Corporation of America, LabCorp
Classification: Uncertain significance. Last evaluated: 2025-11-10. Review status: criteria provided, single submitter. Criteria: LabCorp Variant Classification Summary - May 2015. Collection method: clinical testing. Allele origin: germline.
Comment: Variant summary: PLA2G7 c.392C>T (p.Pro131Leu) results in a non-conservative amino acid change in the encoded protein sequence. Algorithms developed to predict the effect of missense changes on protein structure and function are either unavailable or do not agree on the potential impact of this missense change. The variant was absent in 251364 control chromosomes. The available data on variant occurrences in the general population are insufficient to allow any conclusion about variant significance. To our knowledge, no occurrence of c.392C>T in individuals affected with PLA2G7-related conditions and no experimental evidence demonstrating its impact on protein function have been reported. No submitters have cited clinical-significance assessments for this variant to ClinVar. Based on the evidence outlined above, the variant was classified as uncertain significance.